The following is an entry in ClinVar:

ClinVar aggregate classification (germline): Likely benign (1 of 4 stars; one submission).

Allele frequency attached by ClinVar (database versions not stated): 1000 Genomes Project 0.00020; 1000 Genomes Project 30x 0.00047; TOPMed 0.00209.
gnomAD v4.1: 1,052 of 399,844 alleles (0.26%); highest among the groups gnomAD compares: Non-Finnish European, 0.4%; 5 homozygotes.

Submission:

CeGaT Center for Human Genetics Tuebingen
Classification: Likely benign. Last evaluated: 2026-09-01. Review status: criteria provided, single submitter. Criteria: CeGaT Center For Human Genetics Tuebingen Variant Classification Criteria Version 2. Collection method: clinical testing. Allele origin: germline. Affected: yes. Observed: 9 variant alleles.
Comment: AP3B2: BS2

NM_001278512.2(AP3B2):c.113+9749G>C

Gene: AP3B2 (adaptor related protein complex 3 subunit beta 2; minus strand). Cytogenetic location: 15q25.2.
Variant type: single nucleotide variant.
Coding change: c.113+9749G>C on transcript NM_001278512.2 (MANE Select); 9749 bases into the intron after coding-DNA position 113, G replaced by C.
Molecular consequence: intron variant.
Genome position (GRCh38, 1-based): chr15:82,699,845, C>G on the plus strand (G>C on the coding strand, the complement: AP3B2 is on the minus strand). VCF-style: chr15-82699845-C-G. GRCh37 (hg19) VCF-style: chr15-83368597-C-G.
Other names: c.113+9749G>C (NM_001278511.2, NM_004644.5, NM_001348440.2).
Identifiers: ClinVar variation 2570907 (VCV002570907.27), dbSNP rs531023471, ClinGen allele CA273469934.